The following is an entry in ClinVar:

NM_005188.4(CBL):c.*1856T>C

Gene: CBL (Cbl proto-oncogene; plus strand). Cytogenetic location: 11q23.3.
Variant type: single nucleotide variant.
Coding change: c.*1856T>C on transcript NM_005188.4 (MANE Select); 1856 bases downstream of the stop codon, T replaced by C.
Molecular consequence: 3 prime UTR variant.
Genome position (GRCh38, 1-based): chr11:119,301,637, T>C. VCF-style: chr11-119301637-T-C. GRCh37 (hg19) VCF-style: chr11-119172347-T-C.
Identifiers: ClinVar variation 302812 (VCV000302812.5), dbSNP rs75631490, ClinGen allele CA10637876.

ClinVar aggregate classification (germline): Benign (1 of 4 stars; one submission).

Conditions:
CBL-related disorder. Also called: NOONAN SYNDROME-LIKE DISORDER WITHOUT JUVENILE MYELOMONOCYTIC LEUKEMIA; CBL MUTATION-ASSOCIATED SYNDROME; CBL SYNDROME. Identifiers: Orphanet 363972, MedGen C3150803, MONDO:0013308, OMIM 613563.

Allele frequency attached by ClinVar (database versions not stated): gnomAD exomes 0.00152; gnomAD 0.00875 and 0.00922; TOPMed 0.00989; 1000 Genomes Project 0.01098; 1000 Genomes Project 30x 0.01296.
gnomAD v4.1: 1,447 of 233,320 alleles (0.62%); highest among the groups gnomAD compares: African/African-American, 3%; 23 homozygotes.

Submission:

Illumina Laboratory Services, Illumina
Classification: Benign for CBL-related disorder. Last evaluated: 2018-01-12. Review status: criteria provided, single submitter. Criteria: ICSL Variant Classification Criteria 13 December 2019. Collection method: clinical testing. Allele origin: germline.
Comment: This variant was observed in the ICSL laboratory as part of a predisposition screen in an ostensibly healthy population. It had not been previously curated by ICSL or reported in the Human Gene Mutation Database (HGMD: prior to June 1st, 2018), and was therefore a candidate for classification through an automated scoring system. Utilizing variant allele frequency, disease prevalence and penetrance estimates, and inheritance mode, an automated score was calculated to assess if this variant is too frequent to cause the disease. Based on the score and internal cut-off values, a variant classified as benign is not then subjected to further curation. The score for this variant resulted in a classification of benign for this disease.